The following is an entry in ClinVar:

NM_004725.4(BUB3):c.305T>G (p.Val102Gly)

Gene: BUB3 (BUB3 mitotic checkpoint protein; plus strand). Cytogenetic location: 10q26.13.
Variant type: single nucleotide variant.
Coding change: c.305T>G on transcript NM_004725.4 (MANE Select); coding-DNA position 305, T replaced by G.
Protein change: p.Val102Gly; replaces valine 102 with glycine.
Molecular consequence: missense variant.
Genome position (GRCh38, 1-based): chr10:123,157,768, T>G. VCF-style: chr10-123157768-T-G. GRCh37 (hg19) VCF-style: chr10-124917284-T-G.
Other names: c.305T>G, p.Val102Gly (NM_001007793.3); short protein forms V102G.
Identifiers: ClinVar variation 1799362 (VCV001799362.2), dbSNP rs2493759815, ClinGen allele CA378625413.

ClinVar aggregate classification (germline): Uncertain significance (1 of 4 stars; one submission).

Submission:

Ambry Genetics
Classification: Uncertain significance. Last evaluated: 2022-05-02. Review status: criteria provided, single submitter. Criteria: Ambry Variant Classification Scheme 2023. Collection method: clinical testing. Allele origin: germline.
Comment: The p.V102G variant (also known as c.305T>G), located in coding exon 3 of the BUB3 gene, results from a T to G substitution at nucleotide position 305. The valine at codon 102 is replaced by glycine, an amino acid with dissimilar properties. This amino acid position is conserved. In addition, this alteration is predicted to be deleterious by in silico analysis. Since supporting evidence is limited at this time, the clinical significance of this alteration remains unclear.